The following is an entry in ClinVar:

NM_001164508.2(NEB):c.394C>T (p.Leu132Phe)

Gene: NEB (nebulin; minus strand). Cytogenetic location: 2q23.3.
Variant type: single nucleotide variant.
Coding change: c.394C>T on transcript NM_001164508.2 (MANE Select); coding-DNA position 394, C replaced by T.
Protein change: p.Leu132Phe; replaces leucine 132 with phenylalanine.
Molecular consequence: missense variant.
Genome position (GRCh38, 1-based): chr2:151,725,461, G>A on the plus strand (C>T on the coding strand, the complement: NEB is on the minus strand). VCF-style: chr2-151725461-G-A. GRCh37 (hg19) VCF-style: chr2-152581975-G-A.
Other names: c.394C>T, p.Leu132Phe (NM_001164507.2, NM_001271208.2, NM_004543.5); short protein forms L132F.
Identifiers: ClinVar variation 847244 (VCV000847244.8), dbSNP rs2099787743, ClinGen allele CA348793343.

ClinVar aggregate classification (germline): Uncertain significance. Review status: criteria provided, single submitter (1 of 4 stars). 2 submissions from 2 submitters: Uncertain significance (1). 1 of the submissions does not count toward it. Last evaluated 2021-08-26.

Conditions:
Nemaline myopathy 2 (NEM2). Also called: Nemaline myopathy 2, autosomal recessive. Identifiers: MedGen C1850569, MONDO:0009725, OMIM 256030.

Submissions (2):

Labcorp Genetics (formerly Invitae), Labcorp
Classification: Uncertain significance for Nemaline myopathy 2. Last evaluated: 2021-08-26. Review status: criteria provided, single submitter. Criteria: Invitae Variant Classification Sherloc (09022015). Collection method: clinical testing. Allele origin: germline.
Comment: This sequence change replaces leucine with phenylalanine at codon 132 of the NEB protein (p.Leu132Phe). The leucine residue is moderately conserved and there is a small physicochemical difference between leucine and phenylalanine. This variant is not present in population databases (ExAC no frequency). This variant has not been reported in the literature in individuals affected with NEB-related conditions. Algorithms developed to predict the effect of missense changes on protein structure and function are either unavailable or do not agree on the potential impact of this missense change (SIFT: "Deleterious"; PolyPhen-2: "Not Available"; Align-GVGD: "Class C0"). In summary, the available evidence is currently insufficient to determine the role of this variant in disease. Therefore, it has been classified as a Variant of Uncertain Significance.

Natera, Inc.
Classification: Uncertain significance for Nemaline myopathy type 2. Last evaluated: 2020-01-24. Review status: no assertion criteria provided. Collection method: clinical testing. Allele origin: germline. Not counted in ClinVar's aggregate classification.